The following is an entry in ClinVar:

NM_001034853.2(RPGR):c.2898G>A (p.Gly966=)

Gene: RPGR (retinitis pigmentosa GTPase regulator; minus strand). Cytogenetic location: Xp11.4.
Variant type: single nucleotide variant.
Coding change: c.2898G>A on transcript NM_001034853.2 (MANE Select); coding-DNA position 2898, G replaced by A.
Protein change: p.Gly966=; no amino-acid change (glycine 966 retained).
Molecular consequence: synonymous variant. On other transcripts: intron variant (8).
Genome position (GRCh38, 1-based): chrX:38,286,101, C>T on the plus strand (G>A on the coding strand, the complement: RPGR is on the minus strand). VCF-style: chrX-38286101-C-T. GRCh37 (hg19) VCF-style: chrX-38145354-C-T.
Other names: c.1569+4858G>A (NM_001367249.1, NM_001367250.1); c.1902+993G>A (NM_001367245.1); c.1386+4858G>A (NM_001367251.1); c.1719+993G>A (NM_001367246.1); c.1572+4858G>A (NM_001367247.1); c.1905+993G>A (NM_000328.3); c.1602+4858G>A (NM_001367248.1).
Identifiers: ClinVar variation 425487 (VCV000425487.52), dbSNP rs1064797363, ClinGen allele CA10385239.

ClinVar aggregate classification (germline): Conflicting classifications of pathogenicity. Review status: criteria provided, conflicting classifications (1 of 4 stars). 5 submissions from 5 submitters: Uncertain significance (1); Likely benign (4). Last evaluated 2026-01-28.

Conditions:
Primary ciliary dyskinesia. Also called: Ciliary dyskinesia. Identifiers: Orphanet 244, MedGen C0008780, MONDO:0016575, HP:0012265.

Allele frequency attached by ClinVar (database versions not stated): gnomAD 0.00073 and 0.00075; gnomAD exomes 0.00122 and 0.00143.
gnomAD v4.1: 506 of 372,188 alleles (0.14%); highest among the groups gnomAD compares: South Asian, 0.64%; 3 homozygotes.

Submissions (5):

Labcorp Genetics (formerly Invitae), Labcorp
Classification: Likely benign for Primary ciliary dyskinesia. Last evaluated: 2026-01-28. Review status: criteria provided, single submitter. Criteria: Invitae Variant Classification Sherloc (09022015). Collection method: clinical testing. Allele origin: germline.

Blueprint Genetics
Classification: Likely benign. Last evaluated: 2024-11-26. Review status: criteria provided, single submitter. Criteria: ACMG Guidelines, 2015. Collection method: clinical testing. Allele origin: germline.

CeGaT Center for Human Genetics Tuebingen
Classification: Likely benign. Last evaluated: 2024-02-01. Review status: criteria provided, single submitter. Criteria: CeGaT Center For Human Genetics Tuebingen Variant Classification Criteria Version 2. Collection method: clinical testing. Allele origin: germline. Affected: yes. Observed: 5 variant alleles.
Comment: RPGR: BP4, BP7, BS2

PreventionGenetics, part of Exact Sciences
Classification: Likely benign. Last evaluated: 2020-08-17. Review status: criteria provided, single submitter. Criteria: ACMG Guidelines, 2015. Collection method: clinical testing. Allele origin: germline.

Breakthrough Genomics
Classification: Uncertain significance. Review status: criteria provided, single submitter. Criteria: ACMG Guidelines, 2015. Collection method: not provided. Allele origin: germline. Inheritance: X-linked recessive inheritance. Affected: yes.